The following is an entry in ClinVar:

NM_000204.5(CFI):c.1397C>T (p.Thr466Ile)

Gene: CFI (complement factor I; minus strand). Cytogenetic location: 4q25.
Variant type: single nucleotide variant.
Coding change: c.1397C>T on transcript NM_000204.5 (MANE Select); coding-DNA position 1397, C replaced by T.
Protein change: p.Thr466Ile; replaces threonine 466 with isoleucine.
Molecular consequence: missense variant. On other transcripts: non-coding transcript variant (2).
Genome position (GRCh38, 1-based): chr4:109,746,254, G>A on the plus strand (C>T on the coding strand, the complement: CFI is on the minus strand). VCF-style: chr4-109746254-G-A. GRCh37 (hg19) VCF-style: chr4-110667410-G-A.
Other names: c.1421C>T, p.Thr474Ile (NM_001318057.2, NM_001375278.1, NM_001440988.1); c.1376C>T, p.Thr459Ile (NM_001331035.2, NM_001375280.1, NM_001375282.1 and 1 more transcripts); c.1397C>T, p.Thr466Ile (NM_001375279.1, NM_001375281.1, NM_001440989.1); c.1340C>T, p.Thr447Ile (NM_001375283.1); c.788C>T, p.Thr263Ile (NM_001375284.1); c.1418C>T, p.Thr473Ile (NM_001440985.1, NM_001440986.1); short protein forms T263I, T447I, T459I, T466I, T473I, T474I.
Identifiers: ClinVar variation 4280547 (VCV004280547.1).

ClinVar aggregate classification (germline): Uncertain significance (1 of 4 stars; one submission).

Conditions:
CFI-related disorder. Also called: CFI-related condition; CFI-related disorders. Identifiers: MedGen CN239325.

gnomAD v4.1: 3 of 1,614,176 alleles (0.00019%); highest among the groups gnomAD compares: Middle Eastern, 0.016%; no homozygotes.

Submission:

Genomenon, Inc
Classification: Uncertain significance for CFI-related disorder. Last evaluated: 2025-09-26. Review status: criteria provided, single submitter. Criteria: Genomenon Sequence Variant Interpretation Standards - Updated. Collection method: curation. Allele origin: germline. Affected: no.
Comment: CFI p.Thr466Ile (c.1397C>T) is a missense variant that changes the amino acid at residue 466 from Threonine to Isoleucine. To our knowledge, this variant has not been reported in patients affected with CFI-related disorders in the expected inheritance pattern in the published literature (PMID:38250251). It is absent or not present at a significant frequency in gnomAD. In conclusion, we classify CFI p.Thr466Ile (c.1397C>T) as a variant of unknown significance.

Literature cited by the submitters: PubMed 38250251.